The following is an entry in ClinVar:

NM_001005361.3(DNM2):c.744C>G (p.Ile248Met)

Gene: DNM2 (dynamin 2; plus strand). Cytogenetic location: 19p13.2.
Variant type: single nucleotide variant.
Coding change: c.744C>G on transcript NM_001005361.3 (MANE Select); coding-DNA position 744, C replaced by G.
Protein change: p.Ile248Met; replaces isoleucine 248 with methionine.
Molecular consequence: missense variant.
Genome position (GRCh38, 1-based): chr19:10,783,015, C>G. VCF-style: chr19-10783015-C-G. GRCh37 (hg19) VCF-style: chr19-10893691-C-G.
Other names: c.744C>G, p.Ile248Met (NM_001005360.3, NM_001005362.3, NM_001190716.2 and 1 more transcripts); short protein forms I248M.
Identifiers: ClinVar variation 1984505 (VCV001984505.6), dbSNP rs572493411, ClinGen allele CA404045200.

ClinVar aggregate classification (germline): Uncertain significance. Review status: criteria provided, multiple submitters, no conflicts (2 of 4 stars). 3 submissions from 3 submitters: Uncertain significance (3). Last evaluated 2026-02-25.

Conditions:
Charcot-Marie-Tooth disease dominant intermediate B (CMTDIB). Also called: CHARCOT-MARIE-TOOTH NEUROPATHY, DOMINANT INTERMEDIATE B; Charcot-Marie-Tooth disease dominant intermediate 1; CMT DI1; Charcot-Marie-Tooth disease dominant intermediate I. Identifiers: Orphanet 100044, Orphanet 228179, MedGen C1847902, MONDO:0011674, OMIM 606482.
Inborn genetic diseases. Identifiers: MedGen C0950123, MeSH D030342.

Allele frequency attached by ClinVar (database versions not stated): TOPMed below 0.00001.
gnomAD v4.1: 3 of 1,614,180 alleles (0.00019%); highest among the groups gnomAD compares: Non-Finnish European, 0.00025%; no homozygotes.

Submissions (3):

GeneDx
Classification: Uncertain significance. Last evaluated: 2026-02-25. Review status: criteria provided, single submitter. Criteria: GeneDx Variant Classification Process June 2021. Collection method: clinical testing. Allele origin: germline.
Comment: Not observed at significant frequency in large population cohorts (gnomAD); In silico analysis supports that this missense variant has a deleterious effect on protein structure/function; Has not been previously published as pathogenic or benign to our knowledge; This variant is associated with the following publications: (PMID: 16227997)

Ambry Genetics
Classification: Uncertain significance for Inborn genetic diseases. Last evaluated: 2025-08-14. Review status: criteria provided, single submitter. Criteria: Ambry Variant Classification Scheme 2023. Collection method: clinical testing. Allele origin: germline.

Labcorp Genetics (formerly Invitae), Labcorp
Classification: Uncertain significance for Charcot-Marie-Tooth disease dominant intermediate B. Last evaluated: 2022-02-12. Review status: criteria provided, single submitter. Criteria: Invitae Variant Classification Sherloc (09022015). Collection method: clinical testing. Allele origin: germline.
Comment: In summary, the available evidence is currently insufficient to determine the role of this variant in disease. Therefore, it has been classified as a Variant of Uncertain Significance. Algorithms developed to predict the effect of missense changes on protein structure and function are either unavailable or do not agree on the potential impact of this missense change (SIFT: "Deleterious"; PolyPhen-2: "Probably Damaging"; Align-GVGD: "Class C0"). This variant has not been reported in the literature in individuals affected with DNM2-related conditions. This variant is not present in population databases (gnomAD no frequency). This sequence change replaces isoleucine, which is neutral and non-polar, with methionine, which is neutral and non-polar, at codon 248 of the DNM2 protein (p.Ile248Met).